The following is an entry in ClinVar:

NM_001099922.3(ALG13):c.3108GAG[1] (p.Arg1038del)

Gene: ALG13 (ALG13 UDP-N-acetylglucosaminyltransferase subunit; plus strand). Cytogenetic location: Xq23.
Variant type: Microsatellite.
Coding change: c.3108GAG[1] on transcript NM_001099922.3 (MANE Select); one copy of the 3-base unit GAG starting at c.3108; the reference has two copies in a row; one copy, 3 bases deleted.
Protein change: p.Arg1038del; deletes arginine 1038.
Molecular consequence: non-coding transcript variant (on NR_148693.2).
Genome position (GRCh38, 1-based): chrX:111,757,725-111,757,727, GAG deleted; deleting any 3 consecutive bases within chrX:111,757,722-111,757,727 gives the same sequence; the position shown is the placement nearest the transcript's 3' end. VCF-style (leftmost placement, unchanged base first): chrX-111757721-TGAG-T. GRCh37 (hg19) VCF-style: chrX-111000949-TGAG-T.
Other names: c.2559GAG[1], p.Arg855del (NM_001257230.2, NM_001257234.2, NM_001257237.2); c.2874GAG[1], p.Arg960del (NM_001257231.2); c.2871GAG[1], p.Arg959del (NM_001324292.2); c.2385GAG[1], p.Arg797del (NM_001324293.1); short protein forms R1038del, R960del, R797del, R855del, R959del.
Identifiers: ClinVar variation 2849203 (VCV002849203.3), dbSNP rs2526556546, ClinGen allele CA2694483550.

ClinVar aggregate classification (germline): Uncertain significance (1 of 4 stars; one submission).

Conditions:
Developmental and epileptic encephalopathy, 36 (DEE36). Also called: ALG13-CDG; Epileptic encephalopathy, early infantile, 36; Congenital disorder of glycosylation, type Is. Identifiers: Orphanet 324422, MedGen C4317295, MONDO:0010472, OMIM 300884.

Submission:

Labcorp Genetics (formerly Invitae), Labcorp
Classification: Uncertain significance for Developmental and epileptic encephalopathy, 36. Last evaluated: 2023-03-24. Review status: criteria provided, single submitter. Criteria: Invitae Variant Classification Sherloc (09022015). Collection method: clinical testing. Allele origin: germline.
Comment: In summary, the available evidence is currently insufficient to determine the role of this variant in disease. Therefore, it has been classified as a Variant of Uncertain Significance. Experimental studies and prediction algorithms are not available or were not evaluated, and the functional significance of this variant is currently unknown. This variant has not been reported in the literature in individuals affected with ALG13-related conditions. This variant is not present in population databases (gnomAD no frequency). This variant, c.3111_3113del, results in the deletion of 1 amino acid(s) of the ALG13 protein (p.Arg1038del), but otherwise preserves the integrity of the reading frame.